The following is an entry in ClinVar:

NM_001286611.2(REPS1):c.2155G>C (p.Glu719Gln)

Gene: REPS1 (RALBP1 associated Eps domain containing 1; minus strand). Cytogenetic location: 6q24.1.
Variant type: single nucleotide variant.
Coding change: c.2155G>C on transcript NM_001286611.2 (MANE Select); coding-DNA position 2155, G replaced by C.
Protein change: p.Glu719Gln; replaces glutamic acid 719 with glutamine.
Molecular consequence: missense variant.
Genome position (GRCh38, 1-based): chr6:138,908,729, C>G on the plus strand (G>C on the coding strand, the complement: REPS1 is on the minus strand). VCF-style: chr6-138908729-C-G. GRCh37 (hg19) VCF-style: chr6-139229866-C-G.
Other names: c.2074G>C, p.Glu692Gln (NM_001128617.3); c.1882G>C, p.Glu628Gln (NM_001286612.2); c.2152G>C, p.Glu718Gln (NM_031922.5); short protein forms E628Q, E718Q, E719Q, E692Q.
Identifiers: ClinVar variation 2055514 (VCV002055514.4), dbSNP rs2482539283, ClinGen allele CA365806068.
Genomic context (GRCh38, chr6:138,908,729, plus strand): 5'-TGGGAATAGAAGGTTGTGATGCAAGAACAGCAGCTAAGACACCCGTCTTTTGTGTATGTT[C>G]ATCAACTTCTGGCCTTAATTCATCTTCTGATTTTAATCTTCTTCGAACAGGTTTAGGTGG-3'
Protein context (NP_001273540.1, residues 709-729): SEDELRPEVD[Glu719Gln]HTQKTGVLAA

ClinVar aggregate classification (germline): Uncertain significance (1 of 4 stars; one submission).

Submission:

Labcorp Genetics (formerly Invitae), Labcorp
Classification: Uncertain significance. Last evaluated: 2022-07-25. Review status: criteria provided, single submitter. Criteria: Invitae Variant Classification Sherloc (09022015). Collection method: clinical testing. Allele origin: germline.
Comment: In summary, the available evidence is currently insufficient to determine the role of this variant in disease. Therefore, it has been classified as a Variant of Uncertain Significance. Algorithms developed to predict the effect of missense changes on protein structure and function (SIFT, PolyPhen-2, Align-GVGD) all suggest that this variant is likely to be tolerated. This variant has not been reported in the literature in individuals affected with REPS1-related conditions. This variant is not present in population databases (gnomAD no frequency). This sequence change replaces glutamic acid, which is acidic and polar, with glutamine, which is neutral and polar, at codon 719 of the REPS1 protein (p.Glu719Gln).